The following is an entry in ClinVar:

NM_000245.4(MET):c.3692A>G (p.Asp1231Gly)

Gene: MET (MET proto-oncogene, receptor tyrosine kinase; plus strand). Cytogenetic location: 7q31.2.
Variant type: single nucleotide variant.
Coding change: c.3692A>G on transcript NM_000245.4 (MANE Select); coding-DNA position 3692, A replaced by G.
Protein change: p.Asp1231Gly; replaces aspartic acid 1231 with glycine.
Molecular consequence: missense variant.
Genome position (GRCh38, 1-based): chr7:116,783,363, A>G. VCF-style: chr7-116783363-A-G. GRCh37 (hg19) VCF-style: chr7-116423417-A-G.
Other names: c.3746A>G, p.Asp1249Gly (NM_001127500.3); c.2402A>G, p.Asp801Gly (NM_001324402.2); short protein forms D1231G, D801G, D1249G.
Identifiers: ClinVar variation 2447322 (VCV002447322.2), dbSNP rs1584965536, ClinGen allele CA368991608.

ClinVar aggregate classification (germline): Uncertain significance (1 of 4 stars; one submission).

Conditions:
Hereditary cancer-predisposing syndrome. Also called: Neoplastic Syndromes, Hereditary; Hereditary Cancer Syndrome; Tumor predisposition; Hereditary neoplastic syndrome. Identifiers: Orphanet 140162, MedGen C0027672, MeSH D009386, MONDO:0015356.

Submission:

Ambry Genetics
Classification: Uncertain significance for Hereditary cancer-predisposing syndrome. Last evaluated: 2023-01-11. Review status: criteria provided, single submitter. Criteria: Ambry Variant Classification Scheme 2023. Collection method: clinical testing. Allele origin: germline.
Comment: The p.D1249G variant (also known as c.3746A>G), located in coding exon 18 of the MET gene, results from an A to G substitution at nucleotide position 3746. The aspartic acid at codon 1249 is replaced by glycine, an amino acid with similar properties. This amino acid position is conserved. In addition, this alteration is predicted to be deleterious by in silico analysis. Since supporting evidence is limited at this time, the clinical significance of this alteration remains unclear.